The following is an entry in ClinVar:

NM_004260.4(RECQL4):c.2118C>T (p.Tyr706=)

Gene: RECQL4 (RecQ like helicase 4; minus strand). Cytogenetic location: 8q24.3.
Variant type: single nucleotide variant.
Coding change: c.2118C>T on transcript NM_004260.4 (MANE Select); coding-DNA position 2118, C replaced by T.
Protein change: p.Tyr706=; no amino-acid change (tyrosine 706 retained).
Molecular consequence: synonymous variant.
Genome position (GRCh38, 1-based): chr8:144,513,653, G>A on the plus strand (C>T on the coding strand, the complement: RECQL4 is on the minus strand). VCF-style: chr8-144513653-G-A. GRCh37 (hg19) VCF-style: chr8-145739037-G-A.
Identifiers: ClinVar variation 703652 (VCV000703652.14), dbSNP rs574326650, ClinGen allele CA4948463.
Genomic context (GRCh38, chr8:144,513,653, plus strand): 5'-TGCGTGCAGGCAGGTTCGGAGGAGCGCAGCGATCCGCTCTGTGTCCTCGCGCCGGTTGCA[G>A]TAAATGATAATGGAATCGAGGTTTTGAAAACGTTTGCCTTGCAGCAGCGTCAACAGTGCC-3'
Protein context (NP_004251.4, residues 696-716): RFQNLDSIII[Tyr706=]CNRREDTERI

ClinVar aggregate classification (germline): Conflicting classifications of pathogenicity. Review status: criteria provided, conflicting classifications (1 of 4 stars). 4 submissions from 4 submitters: Uncertain significance (1); Likely benign (3). Last evaluated 2025-07-31.

Conditions:
Inborn genetic diseases. Identifiers: MedGen C0950123, MeSH D030342.
Hereditary cancer-predisposing syndrome. Also called: Tumor predisposition; Hereditary neoplastic syndrome; Neoplastic Syndromes, Hereditary; Hereditary Cancer Syndrome. Identifiers: Orphanet 140162, MedGen C0027672, MeSH D009386, MONDO:0015356.
Baller-Gerold syndrome (BGS). Also called: CRANIOSYNOSTOSIS WITH RADIAL DEFECTS. Identifiers: Orphanet 1225, MedGen C0265308, MONDO:0009039, OMIM 218600.

Allele frequency attached by ClinVar (database versions not stated): ExAC 0.00008; gnomAD 0.00008 and 0.00009; TOPMed 0.00012; 1000 Genomes Project 30x 0.00016; 1000 Genomes Project 0.00020.
gnomAD v4.1: 31 of 1,574,358 alleles (0.002%); highest among the groups gnomAD compares: African/African-American, 0.039%; no homozygotes.

Submissions (4):

Labcorp Genetics (formerly Invitae), Labcorp
Classification: Likely benign for Baller-Gerold syndrome. Last evaluated: 2025-07-31. Review status: criteria provided, single submitter. Criteria: Invitae Variant Classification Sherloc (09022015). Collection method: clinical testing. Allele origin: germline.

Ambry Genetics
Classification: Likely benign for Inborn genetic diseases. Last evaluated: 2024-11-17. Review status: criteria provided, single submitter. Criteria: Ambry Variant Classification Scheme 2023. Collection method: clinical testing. Allele origin: germline.

Sema4
Classification: Uncertain significance for Hereditary cancer-predisposing syndrome. Last evaluated: 2022-01-20. Review status: criteria provided, single submitter. Criteria: Sema4 Curation Guidelines. Collection method: curation. Allele origin: germline.
Comment: The RECQL4 c.2118C>T (p.Y706=) variant has not been reported in the literature to our knowledge. It was observed in 8/18832 chromosomes of the African/African American subpopulation, with no homozygotes, in the large and broad cohorts of the Genome Aggregation Database (PMID: 32461654). This variant has been reported in ClinVar (Variation ID 703652). The nucleotide is moderately conserved and in silico tools that predict the effect of sequence changes on splicing suggest that this variant may not impact splicing, though these predictions have not been confirmed by functional studies. The evidence is insufficient to meet ACMG/AMP criteria for classifying the variant as benign or pathogenic. Thus, the clinical significance of this variant is currently uncertain.

Breakthrough Genomics
Classification: Likely benign. Review status: criteria provided, single submitter. Criteria: ACMG Guidelines, 2015. Collection method: not provided. Allele origin: germline. Inheritance: Autosomal recessive inheritance. Affected: yes.